The following is an entry in ClinVar:

NM_005051.3(QARS1):c.1930dup (p.Val644fs)

Gene: QARS1 (glutaminyl-tRNA synthetase 1; minus strand). Cytogenetic location: 3p21.31.
Variant type: Duplication.
Coding change: c.1930dup on transcript NM_005051.3 (MANE Select); coding-DNA position 1930, one base duplicated (G; older notation c.1930dupG).
Protein change: p.Val644fs; shifts the reading frame from valine 644.
Molecular consequence: frameshift variant. On other transcripts: non-coding transcript variant (1).
Genome position (GRCh38, 1-based): chr3:49,098,626, C duplicated on the plus strand (G on the coding strand, the reverse complement: QARS1 is on the minus strand). VCF-style (leftmost placement, unchanged base first): chr3-49098625-A-AC. GRCh37 (hg19) VCF-style: chr3-49136058-A-AC.
Other names: c.1897dup, p.Val633fs (NM_001272073.2); short protein forms V633fs, V644fs.
Identifiers: ClinVar variation 2697199 (VCV002697199.3), dbSNP rs2471844538, ClinGen allele CA2697549660.
Genomic context (GRCh38, chr3:49,098,625, plus strand): 5'-GGCACTGCAGTAGGAAGGCTGCAGCTGGCTCTCACCTTGACAACATGCTGCAGCTCAATG[A>AC]CGTAGCCTGTATGCCTCAGGCCCACAGGCTGGCCCCAAGCCAGGCGCTTAAATCCTGGCT-3'

ClinVar aggregate classification (germline): Pathogenic (1 of 4 stars; one submission).

Conditions:
Diffuse cerebral and cerebellar atrophy - intractable seizures - progressive microcephaly syndrome. Also called: Microcephaly, progressive, with seizures and cerebral and cerebellar atrophy. Identifiers: Orphanet 404437, MedGen C4014239, MONDO:0014335, OMIM 615760.

Submission:

Labcorp Genetics (formerly Invitae), Labcorp
Classification: Pathogenic for Diffuse cerebral and cerebellar atrophy - intractable seizures - progressive microcephaly syndrome. Last evaluated: 2025-08-18. Review status: criteria provided, single submitter. Criteria: Invitae Variant Classification Sherloc (09022015). Collection method: clinical testing. Allele origin: germline.
Comment: This sequence change creates a premature translational stop signal (p.Val644Glyfs*3) in the QARS gene. It is expected to result in an absent or disrupted protein product. Loss-of-function variants in QARS are known to be pathogenic (PMID: 24656866, 25471517). This variant is not present in population databases (gnomAD no frequency). This variant has not been reported in the literature in individuals affected with QARS-related conditions. ClinVar contains an entry for this variant (Variation ID: 2697199). Algorithms developed to predict the effect of sequence changes on RNA splicing suggest that this variant may disrupt the consensus splice site. For these reasons, this variant has been classified as Pathogenic.

Literature cited by the submitters: PubMed 24656866; PubMed 25471517.